The following is an entry in ClinVar:

NM_000574.5(CD55):c.989G>A (p.Ser330Asn)

Gene: CD55 (CD55 molecule (Cromer blood group); plus strand). Cytogenetic location: 1q32.2.
Variant type: single nucleotide variant.
Coding change: c.989G>A on transcript NM_000574.5 (MANE Select); coding-DNA position 989, G replaced by A.
Protein change: p.Ser330Asn; replaces serine 330 with asparagine.
Molecular consequence: missense variant. On other transcripts: non-coding transcript variant (1).
Genome position (GRCh38, 1-based): chr1:207,337,338, G>A. VCF-style: chr1-207337338-G-A. GRCh37 (hg19) VCF-style: chr1-207510683-G-A.
Other names: c.989G>A, p.Ser330Asn (NM_001114752.3, NM_001300902.2, NM_001300903.2 and 1 more transcripts); short protein forms S330N.
Identifiers: ClinVar variation 1490825 (VCV001490825.6), dbSNP rs144353569, ClinGen allele CA36644737.

ClinVar aggregate classification (germline): Uncertain significance (1 of 4 stars; one submission).

Allele frequency attached by ClinVar (database versions not stated): TOPMed 0.00003; ESP Exome Variant Server 0.00008.

Submission:

Labcorp Genetics (formerly Invitae), Labcorp
Classification: Uncertain significance. Last evaluated: 2021-11-24. Review status: criteria provided, single submitter. Criteria: Invitae Variant Classification Sherloc (09022015). Collection method: clinical testing. Allele origin: germline.
Comment: In summary, the available evidence is currently insufficient to determine the role of this variant in disease. Therefore, it has been classified as a Variant of Uncertain Significance. This sequence change replaces serine, which is neutral and polar, with asparagine, which is neutral and polar, at codon 330 of the CD55 protein (p.Ser330Asn). This variant is not present in population databases (gnomAD no frequency). This variant has not been reported in the literature in individuals affected with CD55-related conditions. Algorithms developed to predict the effect of missense changes on protein structure and function output the following: SIFT: "Tolerated"; PolyPhen-2: "Benign"; Align-GVGD: "Class C0". The asparagine amino acid residue is found in multiple mammalian species, which suggests that this missense change does not adversely affect protein function.